The following is an entry in ClinVar:

NM_000051.4(ATM):c.6677_6683del (p.Leu2226fs)

Genes: ATM (ATM serine/threonine kinase; plus strand), C11orf65 (chromosome 11 open reading frame 65; minus strand). Cytogenetic location: 11q22.3.
Variant type: Deletion.
Coding change: c.6677_6683del on transcript NM_000051.4 (MANE Select); coding-DNA positions 6677 to 6683, 7 bases deleted (TACGCAC; older notation c.6677_6683delTACGCAC).
Protein change: p.Leu2226fs; shifts the reading frame from leucine 2226.
Molecular consequence: frameshift variant. On other transcripts: intron variant (2).
Genome position (GRCh38, 1-based): chr11:108,325,414-108,325,420, TACGCAC deleted; deleting any 7 consecutive bases within chr11:108,325,413-108,325,420 gives the same sequence; the c. name uses the placement nearest the transcript's 3' end. VCF-style (leftmost placement, unchanged base first): chr11-108325412-TCTACGCA-T. GRCh37 (hg19) VCF-style: chr11-108196139-TCTACGCA-T.
Other names: c.6677_6683del, p.Leu2226fs (NM_001351834.2); c.641-16348_641-16342del (NM_001330368.2); c.*38+9801_*38+9807del (NM_001351110.2); short protein forms L2226fs.
Identifiers: ClinVar variation 1754819 (VCV001754819.2), dbSNP rs2547202789, ClinGen allele CA2580083049.

ClinVar aggregate classification (germline): Pathogenic (1 of 4 stars; one submission).

Conditions:
Hereditary cancer-predisposing syndrome. Also called: Hereditary neoplastic syndrome; Neoplastic Syndromes, Hereditary; Tumor predisposition; Hereditary Cancer Syndrome. Identifiers: Orphanet 140162, MedGen C0027672, MeSH D009386, MONDO:0015356.

Submission:

Ambry Genetics
Classification: Pathogenic for Hereditary cancer-predisposing syndrome. Last evaluated: 2020-12-15. Review status: criteria provided, single submitter. Criteria: Ambry Variant Classification Scheme 2023. Collection method: clinical testing. Allele origin: germline.
Comment: The c.6677_6683delTACGCAC pathogenic mutation, located in coding exon 45 of the ATM gene, results from a deletion of 7 nucleotides at nucleotide positions 6677 to 6683, causing a translational frameshift with a predicted alternate stop codon (p.L2226Qfs*7). This alteration is expected to result in loss of function by premature protein truncation or nonsense-mediated mRNA decay. As such, this alteration is interpreted as a disease-causing mutation.